The following is an entry in ClinVar:

ClinVar aggregate classification (germline): Conflicting classifications of pathogenicity. Review status: criteria provided, conflicting classifications (1 of 4 stars). 2 submissions from 2 submitters: Likely pathogenic (1); Uncertain significance (1). Last evaluated 2024-03-27.

Conditions:
Intellectual developmental disorder, autosomal dominant 6, with or without seizures. Also called: GRIN2B-related developmental delay, intellectual disability and autism spectrum disorder; Intellectual disability, autosomal dominant 6. Identifiers: Orphanet 589547, MedGen C3151411, MONDO:0013509, OMIM 613970.
Developmental and epileptic encephalopathy, 27 (DEE27). Also called: GRIN2B-Related Neurodevelopmental Disorder; Epileptic encephalopathy, early infantile, 27. Identifiers: Orphanet 3451, MedGen C4015316, MONDO:0014505, OMIM 616139.

Allele frequency attached by ClinVar (database versions not stated): TOPMed below 0.00001; ExAC 0.00001; gnomAD 0.00001; gnomAD exomes 0.00001.
gnomAD v4.1: 9 of 1,613,592 alleles (0.00056%); highest among the groups gnomAD compares: East Asian, 0.0022%; no homozygotes.

Submissions (2):

Labcorp Genetics (formerly Invitae), Labcorp
Classification: Uncertain significance for Developmental and epileptic encephalopathy, 27; Intellectual developmental disorder, autosomal dominant 6, with or without seizures. Last evaluated: 2024-03-27. Review status: criteria provided, single submitter. Criteria: Invitae Variant Classification Sherloc (09022015). Collection method: clinical testing. Allele origin: germline.
Comment: This sequence change replaces proline, which is neutral and non-polar, with leucine, which is neutral and non-polar, at codon 1419 of the GRIN2B protein (p.Pro1419Leu). This variant is present in population databases (rs200269512, gnomAD 0.0009%). This variant has not been reported in the literature in individuals affected with GRIN2B-related conditions. ClinVar contains an entry for this variant (Variation ID: 2584385). Advanced modeling of protein sequence and biophysical properties (such as structural, functional, and spatial information, amino acid conservation, physicochemical variation, residue mobility, and thermodynamic stability) performed at Invitae indicates that this missense variant is not expected to disrupt GRIN2B protein function with a negative predictive value of 95%. In summary, the available evidence is currently insufficient to determine the role of this variant in disease. Therefore, it has been classified as a Variant of Uncertain Significance.

Institute of Human Genetics Munich, TUM University Hospital
Classification: Likely pathogenic for Intellectual developmental disorder, autosomal dominant 6, with or without seizures. Last evaluated: 2022-12-20. Review status: criteria provided, single submitter. Criteria: Classification criteria August 2017. Collection method: clinical testing. Allele origin: de novo. Inheritance: Autosomal dominant inheritance. Affected: yes. Observed: 1 variant allele.

NM_000834.5(GRIN2B):c.4256C>T (p.Pro1419Leu)

Gene: GRIN2B (glutamate ionotropic receptor NMDA type subunit 2B; minus strand). Cytogenetic location: 12p13.1.
Variant type: single nucleotide variant.
Coding change: c.4256C>T on transcript NM_000834.5 (MANE Select); coding-DNA position 4256, C replaced by T.
Protein change: p.Pro1419Leu; replaces proline 1419 with leucine.
Molecular consequence: missense variant.
Genome position (GRCh38, 1-based): chr12:13,562,982, G>A on the plus strand (C>T on the coding strand, the complement: GRIN2B is on the minus strand). VCF-style: chr12-13562982-G-A. GRCh37 (hg19) VCF-style: chr12-13715916-G-A.
Other names: c.4256C>T, p.Pro1419Leu (NM_001413992.1); short protein forms P1419L.
Identifiers: ClinVar variation 2584385 (VCV002584385.2), dbSNP rs200269512, ClinGen allele CA6460758.
Genomic context (GRCh38, chr12:13,562,982, plus strand): 5'-GGCACGGCCCCATGAAGGGCCGAGACCACCGGCTTGTTGGTGACAAGGGCCCGGAAGTCC[G>A]GCCTGGCTTTCGACGCCCCCGCCACCGTGGGCTGCCTGAAGAAGTAGGATTTGCTGCCAT-3'
Protein context (NP_000825.2, residues 1409-1429): PTVAGASKAR[Pro1419Leu]DFRALVTNKP